The following is an entry in ClinVar:

ClinVar aggregate classification (germline): Uncertain significance. Review status: criteria provided, multiple submitters, no conflicts (2 of 4 stars). 2 submissions from 2 submitters: Uncertain significance (2). Last evaluated 2025-09-25.

Conditions:
Familial thoracic aortic aneurysm and aortic dissection (TAAD). Also called: Thoracic aortic aneurysms and dissections. Identifiers: Orphanet 91387, MedGen C4707243, MONDO:0019625.
Hereditary cancer-predisposing syndrome. Also called: Hereditary neoplastic syndrome; Neoplastic Syndromes, Hereditary; Tumor predisposition; Hereditary Cancer Syndrome. Identifiers: Orphanet 140162, MedGen C0027672, MeSH D009386, MONDO:0015356.

Submissions (2):

Ambry Genetics
Classification: Uncertain significance for Hereditary cancer-predisposing syndrome; Familial thoracic aortic aneurysm and aortic dissection. Last evaluated: 2025-09-25. Review status: criteria provided, single submitter. Criteria: Ambry Variant Classification Scheme 2023. Collection method: clinical testing. Allele origin: germline.
Comment: The p.S178L variant (also known as c.533C>T), located in coding exon 4 of the SMAD4 gene, results from a C to T substitution at nucleotide position 533. The serine at codon 178 is replaced by leucine, an amino acid with dissimilar properties. This amino acid position is highly conserved in available vertebrate species. In addition, this alteration is predicted to be deleterious by in silico analysis. Based on the available evidence, the clinical significance of this variant remains unclear.

GeneDx
Classification: Uncertain significance. Last evaluated: 2021-03-24. Review status: criteria provided, single submitter. Criteria: GeneDx Variant Classification Process June 2021. Collection method: clinical testing. Allele origin: germline. Affected: yes.
Comment: Not observed in large population cohorts (Lek 2016); In silico analysis supports that this missense variant does not alter protein structure/function; Has not been previously published as pathogenic or benign to our knowledge; This variant is associated with the following publications: (PMID: 28994108)

NM_005359.6(SMAD4):c.533C>T (p.Ser178Leu)

Gene: SMAD4 (SMAD family member 4; plus strand). Cytogenetic location: 18q21.2.
Variant type: single nucleotide variant.
Coding change: c.533C>T on transcript NM_005359.6 (MANE Select); coding-DNA position 533, C replaced by T.
Protein change: p.Ser178Leu; replaces serine 178 with leucine.
Molecular consequence: missense variant.
Genome position (GRCh38, 1-based): chr18:51,054,859, C>T. VCF-style: chr18-51054859-C-T. GRCh37 (hg19) VCF-style: chr18-48581229-C-T.
Other names: short protein forms S178L.
Identifiers: ClinVar variation 1314237 (VCV001314237.3), dbSNP rs377767331, ClinGen allele CA402460859.